The following is an entry in ClinVar:

NM_001165963.4(SCN1A):c.2784A>C (p.Gln928His)

Gene: SCN1A (sodium voltage-gated channel alpha subunit 1; minus strand). Cytogenetic location: 2q24.3.
Variant type: single nucleotide variant.
Coding change: c.2784A>C on transcript NM_001165963.4 (MANE Select); coding-DNA position 2784, A replaced by C.
Protein change: p.Gln928His; replaces glutamine 928 with histidine.
Molecular consequence: missense variant. On other transcripts: non-coding transcript variant (1).
Genome position (GRCh38, 1-based): chr2:166,037,938, T>G on the plus strand (A>C on the coding strand, the complement: SCN1A is on the minus strand). VCF-style: chr2-166037938-T-G. GRCh37 (hg19) VCF-style: chr2-166894448-T-G.
Other names: c.2700A>C, p.Gln900His (NM_001165964.3, NM_001353957.2, NM_001353958.2); c.2784A>C, p.Gln928His (NM_001202435.3, NM_001353948.2); c.2751A>C, p.Gln917His (NM_001353949.2, NM_001353950.2, NM_001353951.2 and 2 more transcripts); c.2748A>C, p.Gln916His (NM_001353954.2, NM_001353955.2); c.2697A>C, p.Gln899His (NM_001353960.2); c.342A>C, p.Gln114His (NM_001353961.2); c.2784A>C (NM_001165963.1); short protein forms Q916H, Q114H, Q899H, Q917H, Q928H, Q900H.
Identifiers: ClinVar variation 1348154 (VCV001348154.13), dbSNP rs138376436, ClinGen allele CA1943048.
Genomic context (GRCh38, chr2:166,037,938, plus strand): 5'-CAGCACGCGGAACACAATCAGGAAGGAGTGGAAGAAGTCATTCATGTGCCAGCGTGGGAG[T>G]TGACAATCACTGGCGATCTTGCAGACACAATCTTTGTAGCTTTTACCAAAGAGCTGCATG-3'
Protein context (NP_001159435.1, residues 918-938): DCVCKIASDC[Gln928His]LPRWHMNDFF

ClinVar aggregate classification (germline): Conflicting classifications of pathogenicity. Review status: criteria provided, conflicting classifications (1 of 4 stars). 3 submissions from 3 submitters: Uncertain significance (2); Likely benign (1). Last evaluated 2026-10-12.

Conditions:
Early-infantile DEE. Also called: Early infantile epileptic encephalopathy with suppression bursts; Early infantile epileptic encephalopathy; Ohtahara syndrome. Identifiers: Orphanet 1934, MedGen C0393706, MONDO:0800491.
Developmental and epileptic encephalopathy 6B. Also called: Developmental and epileptic encephalopathy 6B, non-Dravet. Identifiers: MedGen C5543353, MONDO:0030268, OMIM 619317.

Allele frequency attached by ClinVar (database versions not stated): ExAC 0.00002; gnomAD exomes 0.00001; ESP Exome Variant Server 0.00008.
gnomAD v4.1: 14 of 1,613,816 alleles (0.00087%); highest among the groups gnomAD compares: African/African-American, 0.015%; no homozygotes.

Submissions (3):

GeneDx
Classification: Uncertain significance. Last evaluated: 2026-10-12. Review status: criteria provided, single submitter. Criteria: GeneDx Variant Classification Process June 2021. Collection method: clinical testing. Allele origin: germline.
Comment: In silico analysis indicates that this missense variant does not alter protein structure/function; Has not been previously published as pathogenic or benign to our knowledge; This substitution is predicted to be within the extracellular loop between the S5 and S6 transmembrane segments of the second homologous domain.

Centre for Medical Genetics,  Mumbai
Classification: Likely benign for Developmental and epileptic encephalopathy 6B. Last evaluated: 2026-02-10. Review status: criteria provided, single submitter. Criteria: ACMG Guidelines, 2015. Collection method: provider interpretation. Allele origin: germline. Inheritance: Autosomal dominant inheritance. Affected: no. Observed: 1 heterozygote.
Comment: The variant satisfies PM1 criteria; non-truncating non-synonymous variant is located in a mutational hot spot and/or critical and well-established functional domain. The variant satisfies PM2 criteria; extremely low frequency in gnomAD population databases. The variant satisfies PP2 criteria; missense variant in a gene with low rate of benign missense mutations and for which missense mutation is a common mechanism of a disease. However, the variant satisfies BS2 criteria.

Labcorp Genetics (formerly Invitae), Labcorp
Classification: Uncertain significance for Early-infantile DEE. Last evaluated: 2022-04-09. Review status: criteria provided, single submitter. Criteria: Invitae Variant Classification Sherloc (09022015). Collection method: clinical testing. Allele origin: germline.
Comment: This sequence change replaces glutamine, which is neutral and polar, with histidine, which is basic and polar, at codon 928 of the SCN1A protein (p.Gln928His). This variant is present in population databases (rs138376436, gnomAD 0.02%). This variant has not been reported in the literature in individuals affected with SCN1A-related conditions. Advanced modeling of protein sequence and biophysical properties (such as structural, functional, and spatial information, amino acid conservation, physicochemical variation, residue mobility, and thermodynamic stability) performed at Invitae indicates that this missense variant is not expected to disrupt SCN1A protein function. In summary, the available evidence is currently insufficient to determine the role of this variant in disease. Therefore, it has been classified as a Variant of Uncertain Significance.

Literature cited by the submitters: PubMed 24776920 (cited by Centre for Medical Genetics,  Mumbai).